The following is an entry in ClinVar:

NM_000540.3(RYR1):c.13913G>T (p.Gly4638Val)

Gene: RYR1 (ryanodine receptor 1; plus strand). Cytogenetic location: 19q13.2.
Variant type: single nucleotide variant.
Coding change: c.13913G>T on transcript NM_000540.3 (MANE Select); coding-DNA position 13913, G replaced by T.
Protein change: p.Gly4638Val; replaces glycine 4638 with valine.
Molecular consequence: missense variant.
Genome position (GRCh38, 1-based): chr19:38,572,185, G>T. VCF-style: chr19-38572185-G-T. GRCh37 (hg19) VCF-style: chr19-39062825-G-T.
Other names: c.13898G>T, p.Gly4633Val (NM_001042723.2); short protein forms G4633V, G4638V.
Identifiers: ClinVar variation 3256762 (VCV003256762.1).
Genomic context (GRCh38, chr19:38,572,185, plus strand): 5'-AGGAGGCAGAGGGCGATGAGGATGAGAACATGGTGTACTACTTCCTGGAGGAAAGCACAG[G>T]CTACATGGAACCCGCCCTGCGGTGTCTGAGCCTCCTGCATACACTGGTGGCCTTTCTCTG-3'
Protein context (NP_000531.2, residues 4628-4648): MVYYFLEEST[Gly4638Val]YMEPALRCLS

ClinVar aggregate classification (germline): Likely pathogenic (0 of 4 stars; one submission).

Conditions:
King Denborough syndrome (KDS). Identifiers: MedGen C1840365, MONDO:0020485, OMIM 619542.

Submission:

Solve-RD Consortium
Classification: Likely pathogenic for King Denborough syndrome. Last evaluated: 2022-06-01. Review status: no assertion criteria provided. Collection method: provider interpretation. Allele origin: inherited. Affected: yes.
Comment: Variant confirmed as disease-causing by referring clinical team

Variant identified during reanalysis of unsolved cases by the Solve-RD project. The Solve-RD project has received funding from the European Union’s Horizon 2020 research and innovation programme under grant agreement No 779257.

Literature cited by the submitters: PubMed 39825153.